The following is an entry in ClinVar:

NM_006766.5(KAT6A):c.4673G>A (p.Ser1558Asn)

Gene: KAT6A (lysine acetyltransferase 6A; minus strand). Cytogenetic location: 8p11.21.
Variant type: single nucleotide variant.
Coding change: c.4673G>A on transcript NM_006766.5 (MANE Select); coding-DNA position 4673, G replaced by A.
Protein change: p.Ser1558Asn; replaces serine 1558 with asparagine.
Molecular consequence: missense variant.
Genome position (GRCh38, 1-based): chr8:41,933,547, C>T on the plus strand (G>A on the coding strand, the complement: KAT6A is on the minus strand). VCF-style: chr8-41933547-C-T. GRCh37 (hg19) VCF-style: chr8-41791065-C-T.
Other names: short protein forms S1558N.
Identifiers: ClinVar variation 2682456 (VCV002682456.1), dbSNP rs2486754043, ClinGen allele CA371065045.
Genomic context (GRCh38, chr8:41,933,547, plus strand): 5'-CAGATGCTGCCGCCCATCGTGGAGTCGTAACTGCTTGGGTTCTCATAGTTTTCAGTGGTG[C>T]TCTCAATGCTGCCCAGGTCACTGAAGCCGCTGTCCACCACCTGCTGAGAGTGGTCTGATA-3'
Protein context (NP_006757.2, residues 1548-1568): SGFSDLGSIE[Ser1558Asn]TTENYENPSS

ClinVar aggregate classification (germline): Uncertain significance (1 of 4 stars; one submission).

Submission:

Women's Health and Genetics/Laboratory Corporation of America, LabCorp
Classification: Uncertain significance. Last evaluated: 2023-11-10. Review status: criteria provided, single submitter. Criteria: LabCorp Variant Classification Summary - May 2015. Collection method: clinical testing. Allele origin: germline.
Comment: Variant summary: KAT6A c.4673G>A (p.Ser1558Asn) results in a conservative amino acid change in the encoded protein sequence. Three of five in-silico tools predict a damaging effect of the variant on protein function. The variant was absent in 251360 control chromosomes. The available data on variant occurrences in the general population are insufficient to allow any conclusion about variant significance. To our knowledge, no occurrence of c.4673G>A in individuals affected with Arboleda-Tham Syndrome and no experimental evidence demonstrating its impact on protein function have been reported. No submitters have cited clinical-significance assessments for this variant to ClinVar after 2014. Based on the evidence outlined above, the variant was classified as uncertain significance.